The following is an entry in ClinVar:

ClinVar aggregate classification (germline): Uncertain significance (1 of 4 stars; one submission).

Conditions:
Familial encephalopathy with neuroserpin inclusion bodies. Also called: ENCEPHALOPATHY, FAMILIAL, WITH COLLINS BODIES. Identifiers: Orphanet 85110, MedGen C1858680, MONDO:0011412, OMIM 604218.

Submission:

Labcorp Genetics (formerly Invitae), Labcorp
Classification: Uncertain significance for Familial encephalopathy with neuroserpin inclusion bodies. Last evaluated: 2026-01-07. Review status: criteria provided, single submitter. Criteria: Invitae Variant Classification Sherloc (09022015). Collection method: clinical testing. Allele origin: germline.
Comment: This sequence change replaces alanine, which is neutral and non-polar, with glutamic acid, which is acidic and polar, at codon 280 of the SERPINI1 protein (p.Ala280Glu). This variant is not present in population databases (gnomAD no frequency). This variant has not been reported in the literature in individuals affected with SERPINI1-related conditions. ClinVar contains an entry for this variant (Variation ID: 3700855). Invitae Evidence Modeling of protein sequence and biophysical properties (such as structural, functional, and spatial information, amino acid conservation, physicochemical variation, residue mobility, and thermodynamic stability) indicates that this missense variant is not expected to disrupt SERPINI1 protein function with a negative predictive value of 80%. In summary, the available evidence is currently insufficient to determine the role of this variant in disease. Therefore, it has been classified as a Variant of Uncertain Significance.

NM_001122752.2(SERPINI1):c.839C>A (p.Ala280Glu)

Gene: SERPINI1 (serpin family I member 1; plus strand). Cytogenetic location: 3q26.1.
Variant type: single nucleotide variant.
Coding change: c.839C>A on transcript NM_001122752.2 (MANE Select); coding-DNA position 839, C replaced by A.
Protein change: p.Ala280Glu; replaces alanine 280 with glutamic acid.
Molecular consequence: missense variant.
Genome position (GRCh38, 1-based): chr3:167,794,782, C>A. VCF-style: chr3-167794782-C-A. GRCh37 (hg19) VCF-style: chr3-167512570-C-A.
Other names: c.839C>A, p.Ala280Glu (NM_005025.5); short protein forms A280E.
Identifiers: ClinVar variation 3700855 (VCV003700855.2).